The following is an entry in ClinVar:

NM_000444.6(PHEX):c.2021del (p.Pro674fs)

Genes: PHEX (phosphate regulating endopeptidase X-linked; plus strand), PTCHD1-AS (PTCHD1 and PHEX antisense RNA; minus strand). Cytogenetic location: Xp22.11.
Variant type: Deletion.
Coding change: c.2021del on transcript NM_000444.6 (MANE Select); coding-DNA position 2021, one base deleted (C; older notation c.2021delC).
Protein change: p.Pro674fs; shifts the reading frame from proline 674.
Molecular consequence: frameshift variant. On other transcripts: non-coding transcript variant (1).
Genome position (GRCh38, 1-based): chrX:22,227,562, C deleted; the last of 2 consecutive C bases (chrX:22,227,561-22,227,562); deleting either gives the same sequence. VCF-style (leftmost placement, unchanged base first): chrX-22227560-AC-A. GRCh37 (hg19) VCF-style: chrX-22245677-AC-A.
Other names: c.2021del, p.Pro674fs (NM_001282754.2); short protein forms P674fs.
Identifiers: ClinVar variation 971977 (VCV000971977.7), dbSNP rs1935550041, ClinGen allele CA1139667318.
Genomic context (GRCh38, chrX:22,227,560, plus strand): 5'-TCACCAGGCTTACAGGAAATGGATAAATGACAGAAGGCAGGGACTTGAGGAGCCTCTTCT[AC>A]CAGGCATCACATTCACCAACAACCAGCTCTTCTTCCTGAGTTATGCTCATGTGAGTAGAC-3'

ClinVar aggregate classification (germline): Pathogenic (1 of 4 stars; one submission).

Submission:

Labcorp Genetics (formerly Invitae), Labcorp
Classification: Pathogenic. Last evaluated: 2020-03-15. Review status: criteria provided, single submitter. Criteria: Invitae Variant Classification Sherloc (09022015). Collection method: clinical testing. Allele origin: germline.
Comment: For these reasons, this variant has been classified as Pathogenic. Loss-of-function variants in PHEX are known to be pathogenic (PMID: 9097956, 9106524, 19219621). This variant has not been reported in the literature in individuals with PHEX-related conditions. This variant is not present in population databases (ExAC no frequency). This sequence change creates a premature translational stop signal (p.Pro674Glnfs*13) in the PHEX gene. It is expected to result in an absent or disrupted protein product.

Literature cited by the submitters: PubMed 9097956; PubMed 9106524; PubMed 19219621.